The following is an entry in ClinVar:

ClinVar aggregate classification (germline): Uncertain significance. Review status: criteria provided, multiple submitters, no conflicts (2 of 4 stars). 2 submissions from 2 submitters: Uncertain significance (2). Last evaluated 2025-01-08.

Submissions (2):

GeneDx
Classification: Uncertain significance. Last evaluated: 2025-01-08. Review status: criteria provided, single submitter. Criteria: GeneDx Variant Classification Process June 2021. Collection method: clinical testing. Allele origin: germline. Affected: yes.
Comment: Not observed at significant frequency in large population cohorts (gnomAD); In silico analysis indicates that this missense variant does not alter protein structure/function; Has not been previously published as pathogenic or benign to our knowledge

Labcorp Genetics (formerly Invitae), Labcorp
Classification: Uncertain significance. Last evaluated: 2024-02-03. Review status: criteria provided, single submitter. Criteria: Invitae Variant Classification Sherloc (09022015). Collection method: clinical testing. Allele origin: germline.
Comment: This sequence change replaces alanine, which is neutral and non-polar, with valine, which is neutral and non-polar, at codon 580 of the ADNP protein (p.Ala580Val). This variant is not present in population databases (gnomAD no frequency). This variant has not been reported in the literature in individuals affected with ADNP-related conditions. An algorithm developed to predict the effect of missense changes on protein structure and function (PolyPhen-2) suggests that this variant is likely to be disruptive. In summary, the available evidence is currently insufficient to determine the role of this variant in disease. Therefore, it has been classified as a Variant of Uncertain Significance.

NM_001282531.3(ADNP):c.1739C>T (p.Ala580Val)

Gene: ADNP (activity dependent neuroprotector homeobox; minus strand). Cytogenetic location: 20q13.13.
Variant type: single nucleotide variant.
Coding change: c.1739C>T on transcript NM_001282531.3 (MANE Select); coding-DNA position 1739, C replaced by T.
Protein change: p.Ala580Val; replaces alanine 580 with valine.
Molecular consequence: missense variant.
Genome position (GRCh38, 1-based): chr20:50,892,975, G>A on the plus strand (C>T on the coding strand, the complement: ADNP is on the minus strand). VCF-style: chr20-50892975-G-A. GRCh37 (hg19) VCF-style: chr20-49509512-G-A.
Other names: c.1739C>T, p.Ala580Val (NM_001282532.2, NM_001347511.2, NM_015339.5 and 1 more transcripts); c.1739C>T (NM_015339.2); short protein forms A580V.
Identifiers: ClinVar variation 3638570 (VCV003638570.3).